The following is an entry in ClinVar:

ClinVar aggregate classification (germline): Uncertain significance (1 of 4 stars; one submission).

Conditions:
Familial sleep-related hypermotor epilepsy. Also called: Autosomal Dominant Sleep-Related Hypermotor (Hyperkinetic) Epilepsy. Identifiers: Orphanet 98784, MedGen C3696898, MONDO:0000030.

Submission:

Labcorp Genetics (formerly Invitae), Labcorp
Classification: Uncertain significance. Last evaluated: 2020-02-04. Review status: criteria provided, single submitter. Criteria: Invitae Variant Classification Sherloc (09022015). Collection method: clinical testing. Allele origin: germline.
Comment: This sequence change replaces cysteine with tyrosine at codon 247 of the CHRNA2 protein (p.Cys247Tyr). The cysteine residue is highly conserved and there is a large physicochemical difference between cysteine and tyrosine. This variant is not present in population databases (ExAC no frequency). This variant has not been reported in the literature in individuals with CHRNA2-related conditions. Algorithms developed to predict the effect of missense changes on protein structure and function (SIFT, PolyPhen-2, Align-GVGD) all suggest that this variant is likely to be disruptive, but these predictions have not been confirmed by published functional studies and their clinical significance is uncertain. In summary, the available evidence is currently insufficient to determine the role of this variant in disease. Therefore, it has been classified as a Variant of Uncertain Significance.

NM_000742.4(CHRNA2):c.740G>A (p.Cys247Tyr)

Gene: CHRNA2 (cholinergic receptor nicotinic alpha 2 subunit; minus strand). Cytogenetic location: 8p21.2.
Variant type: single nucleotide variant.
Coding change: c.740G>A on transcript NM_000742.4 (MANE Select); coding-DNA position 740, G replaced by A.
Protein change: p.Cys247Tyr; replaces cysteine 247 with tyrosine.
Molecular consequence: missense variant.
Genome position (GRCh38, 1-based): chr8:27,463,703, C>T on the plus strand (G>A on the coding strand, the complement: CHRNA2 is on the minus strand). VCF-style: chr8-27463703-C-T. GRCh37 (hg19) VCF-style: chr8-27321220-C-T.
Other names: c.695G>A, p.Cys232Tyr (NM_001282455.2); c.263G>A, p.Cys88Tyr (NM_001347705.2, NM_001347706.2); c.146G>A, p.Cys49Tyr (NM_001347707.2, NM_001347708.2); short protein forms C232Y, C247Y, C49Y, C88Y.
Identifiers: ClinVar variation 1016837 (VCV001016837.5), dbSNP rs1812601639, ClinGen allele CA370810861.
Genomic context (GRCh38, chr8:27,463,703, plus strand): 5'-AAGAGCGGCAGCCGCCGGATGACGAAGGCGTAGGTGACGTCGGGGTAGATCTCGGCGCAG[C>T]AGTCGTACTTCTTGCTGTTGTAGGTGCCCGTGGCATTGACGATGGCCCACTCGCCGCTCT-3'
Protein context (NP_000733.2, residues 237-257): TGTYNSKKYD[Cys247Tyr]CAEIYPDVTY